The following is an entry in ClinVar:

ClinVar aggregate classification (germline): Uncertain significance (1 of 4 stars; one submission).

Conditions:
TTN-related disorder. Also called: TTN-related disorders; TTN-related condition; TTN-related disease.

gnomAD v4.1: 3 of 1,613,044 alleles (0.00019%); highest among the groups gnomAD compares: African/African-American, 0.004%; no homozygotes.

Submission:

PreventionGenetics, part of Exact Sciences
Classification: Uncertain significance for TTN-related condition. Last evaluated: 2025-04-21. Review status: criteria provided, single submitter. Criteria: ACMG Guidelines, 2015. Collection method: clinical testing. Allele origin: germline.
Comment: The TTN c.77270T>C variant is predicted to result in the amino acid substitution p.Val25757Ala. To our knowledge, this variant has not been reported in the literature. This variant is reported in 0.0% of alleles in individuals of African descent in gnomAD. At this time, the clinical significance of this variant is uncertain due to the absence of conclusive functional and genetic evidence.

NM_001267550.2(TTN):c.77270T>C (p.Val25757Ala)

Genes: TTN (titin; minus strand), TTN-AS1 (TTN antisense RNA 1; plus strand). Cytogenetic location: 2q31.2.
Variant type: single nucleotide variant.
Coding change: c.77270T>C on transcript NM_001267550.2 (MANE Select); coding-DNA position 77270, T replaced by C.
Protein change: p.Val25757Ala; replaces valine 25757 with alanine.
Molecular consequence: missense variant.
Genome position (GRCh38, 1-based): chr2:178,568,862, A>G on the plus strand (T>C on the coding strand, the complement: TTN is on the minus strand). VCF-style: chr2-178568862-A-G. GRCh37 (hg19) VCF-style: chr2-179433589-A-G.
Other names: c.72347T>C, p.Val24116Ala (NM_001256850.1); c.50075T>C, p.Val16692Ala (NM_003319.4); c.69566T>C, p.Val23189Ala (NM_133378.4); c.50450T>C, p.Val16817Ala (NM_133432.3); c.50651T>C, p.Val16884Ala (NM_133437.4); short protein forms V16817A, V16884A, V25757A, V16692A, V23189A, V24116A.
Identifiers: ClinVar variation 4999205 (VCV004999205.1).
Genomic context (GRCh38, chr2:178,568,862, plus strand): 5'-TTTTCATTTACAGCAACAACTCTAAAAAGATATTCTTCCCCTTGAGTTAGGTTGGTAATT[A>G]CTGCCTGAAGAGACTTTACTCGAGCACACTCTGACCATTTCTCACTGTGTTTAGCTTGCA-3'
Protein context (NP_001254479.2, residues 25747-25767): ECARVKSLQA[Val25757Ala]ITNLTQGEEY